The following is an entry in ClinVar:

NM_000417.3(IL2RA):c.587A>G (p.Glu196Gly)

Gene: IL2RA (interleukin 2 receptor subunit alpha; minus strand). Cytogenetic location: 10p15.1.
Variant type: single nucleotide variant.
Coding change: c.587A>G on transcript NM_000417.3 (MANE Select); coding-DNA position 587, A replaced by G.
Protein change: p.Glu196Gly; replaces glutamic acid 196 with glycine.
Molecular consequence: missense variant. On other transcripts: intron variant (1).
Genome position (GRCh38, 1-based): chr10:6,019,938, T>C on the plus strand (A>G on the coding strand, the complement: IL2RA is on the minus strand). VCF-style: chr10-6019938-T-C. GRCh37 (hg19) VCF-style: chr10-6061901-T-C.
Other names: c.371A>G, p.Glu124Gly (NM_001308242.2); c.368-439A>G (NM_001308243.2); short protein forms E124G, E196G.
Identifiers: ClinVar variation 1499728 (VCV001499728.6), dbSNP rs1839355890, ClinGen allele CA375925761.

ClinVar aggregate classification (germline): Uncertain significance (1 of 4 stars; one submission).

Conditions:
Immunodeficiency due to CD25 deficiency. Also called: IMMUNODEFICIENCY 41 WITH LYMPHOPROLIFERATION AND AUTOIMMUNITY; IL2RA DEFICIENCY; CD25 DEFICIENCY. Identifiers: Orphanet 169100, MedGen C1853392, MONDO:0011664, OMIM 606367.

Allele frequency attached by ClinVar (database versions not stated): gnomAD exomes below 0.00001; TOPMed 0.00001.
gnomAD v4.1: 1 of 1,612,520 alleles (0.000062%); highest among the groups gnomAD compares: Admixed American, 0.0017%; no homozygotes.

Submission:

Labcorp Genetics (formerly Invitae), Labcorp
Classification: Uncertain significance for Immunodeficiency due to CD25 deficiency. Last evaluated: 2021-04-09. Review status: criteria provided, single submitter. Criteria: Invitae Variant Classification Sherloc (09022015). Collection method: clinical testing. Allele origin: germline.
Comment: In summary, the available evidence is currently insufficient to determine the role of this variant in disease. Therefore, it has been classified as a Variant of Uncertain Significance. Algorithms developed to predict the effect of missense changes on protein structure and function (SIFT, PolyPhen-2, Align-GVGD) all suggest that this variant is likely to be tolerated, but these predictions have not been confirmed by published functional studies and their clinical significance is uncertain. This variant has not been reported in the literature in individuals with IL2RA-related conditions. This variant is not present in population databases (ExAC no frequency). This sequence change replaces glutamic acid with glycine at codon 196 of the IL2RA protein (p.Glu196Gly). The glutamic acid residue is weakly conserved and there is a moderate physicochemical difference between glutamic acid and glycine.